The following is an entry in ClinVar:

NM_015650.4(TRAF3IP1):c.1689+3A>G

Gene: TRAF3IP1 (TRAF3 interacting protein 1; plus strand). Cytogenetic location: 2q37.3.
Variant type: single nucleotide variant.
Coding change: c.1689+3A>G on transcript NM_015650.4 (MANE Select); 3 bases into the intron after coding-DNA position 1689, A replaced by G.
Molecular consequence: intron variant.
Genome position (GRCh38, 1-based): chr2:238,356,083, A>G. VCF-style: chr2-238356083-A-G. GRCh37 (hg19) VCF-style: chr2-239264724-A-G.
Other names: c.1491+3A>G (NM_001139490.1).
Identifiers: ClinVar variation 943625 (VCV000943625.5), dbSNP rs760740888, ClinGen allele CA2198533.

ClinVar aggregate classification (germline): Uncertain significance (1 of 4 stars; one submission).

Allele frequency attached by ClinVar (database versions not stated): gnomAD 0.00001; ExAC 0.00004; gnomAD exomes 0.00004; TOPMed 0.00007.
gnomAD v4.1: 22 of 1,611,128 alleles (0.0014%); highest among the groups gnomAD compares: Admixed American, 0.03%; no homozygotes.

Submission:

Labcorp Genetics (formerly Invitae), Labcorp
Classification: Uncertain significance. Last evaluated: 2022-04-15. Review status: criteria provided, single submitter. Criteria: Invitae Variant Classification Sherloc (09022015). Collection method: clinical testing. Allele origin: germline.
Comment: This sequence change falls in intron 15 of the TRAF3IP1 gene. It does not directly change the encoded amino acid sequence of the TRAF3IP1 protein. It affects a nucleotide within the consensus splice site. This variant is present in population databases (rs760740888, gnomAD 0.02%). This variant has not been reported in the literature in individuals affected with TRAF3IP1-related conditions. ClinVar contains an entry for this variant (Variation ID: 943625). Variants that disrupt the consensus splice site are a relatively common cause of aberrant splicing (PMID: 17576681, 9536098). Algorithms developed to predict the effect of sequence changes on RNA splicing suggest that this variant is not likely to affect RNA splicing. In summary, the available evidence is currently insufficient to determine the role of this variant in disease. Therefore, it has been classified as a Variant of Uncertain Significance.

Literature cited by the submitters: PubMed 17576681; PubMed 9536098.